The following is an entry in ClinVar:

NM_000069.3(CACNA1S):c.5042_5048delTTTCCAG (p.Phe1681fs)

Gene: CACNA1S (calcium voltage-gated channel subunit alpha1 S; minus strand). Cytogenetic location: 1q32.1.
Variant type: Deletion.
Coding change: c.5042_5048delTTTCCAG on transcript NM_000069.3 (MANE Select); coding-DNA positions 5042 to 5048, 7 bases deleted (TTTCCAG).
Protein change: p.Phe1681fs; shifts the reading frame from phenylalanine 1681.
Molecular consequence: frameshift variant.
Genome position (GRCh38, 1-based): chr1:201,043,281-201,043,287, CTGGAAA deleted on the plus strand (TTTCCAG on the coding strand, the reverse complement: CACNA1S is on the minus strand). VCF-style (leftmost placement, unchanged base first): chr1-201043280-CCTGGAAA-C. GRCh37 (hg19) VCF-style: chr1-201012408-CCTGGAAA-C.
Other names: short protein forms F1681fs.
Identifiers: ClinVar variation 3072250 (VCV003072250.2), dbSNP rs2464410068, ClinGen allele CA2825000893.
Genomic context (GRCh38, chr1:201,043,280, plus strand): 5'-AACCTGCTGACATTGTCCTCCCAGTACCTCTACACCCAGGGATGGCAGTGGCCGCCACTA[CCTGGAAA>C]ACACATGGCTGTTGCTATGGTTGCTGTTGCCATAGGCGACATTGGCGTTGGCATTGTTGG-3'

ClinVar aggregate classification (germline): Uncertain significance (1 of 4 stars; one submission).

Conditions:
Malignant hyperthermia, susceptibility to, 5 (MHS5). Also called: CACNA1S-Related Malignant Hyperthermia Susceptibility. Identifiers: Orphanet 423, MedGen C1866077, MONDO:0011163, OMIM 601887.

Submission:

All of Us Research Program, National Institutes of Health
Classification: Uncertain significance for Malignant hyperthermia, susceptibility to, 5. Last evaluated: 2024-09-27. Review status: criteria provided, single submitter. Criteria: ACMG Guidelines, 2015. Collection method: clinical testing. Allele origin: germline. Inheritance: Autosomal dominant inheritance. Observed: 2 variant alleles, 2 heterozygotes.
Comment: This variant deletes 7 nucleotides in exon 40 of the CACNA1S gene, creating a frameshift and premature translation stop signal. This variant is expected to result in an absent or non-functional protein product. To our knowledge, this variant has not been reported in individuals affected with CACNA1S-related disorders in the literature. This variant has not been identified in the general population by the Genome Aggregation Database (gnomAD). Loss of CACNA1S gene function due to haploinsufficiency is not an established disease mechanism for autosomal dominant malignant hyperthermia, although it is associated with other phenotype(s) (PMID: 28012042, 34608571, 34777470). Due to insufficient evidence, this variant is classified as a Variant of Uncertain Significance for autosomal dominant malignant hyperthermia.

This study involves interpretation of variants in research participants for the purpose of population health screening. Participant phenotype was not available at the time of variant classification. Additional details can be found in publication PMID: 35346344, PMCID: PMC8962531

Literature cited by the submitters: PubMed 28012042; PubMed 34608571; PubMed 34777470.